The following is an entry in ClinVar:

ClinVar aggregate classification (germline): Pathogenic. Review status: criteria provided, multiple submitters, no conflicts (2 of 4 stars). 7 submissions from 7 submitters: Pathogenic (6). 1 of the submissions does not count toward it. Last evaluated 2025-07-30.

Conditions:
AP4B1-related disorder. Also called: AP4B1-related condition.
Spastic paraplegia. Identifiers: MedGen C0037772, HP:0001258.
Hereditary spastic paraplegia 47. Also called: CEREBRAL PALSY, SPASTIC QUADRIPLEGIC, 5; adaptor protein 4 (AP-4) deficiency syndrome; Spastic paraplegia 47, autosomal recessive. Identifiers: Orphanet 280763, MedGen C3279738, MONDO:0013551, OMIM 614066.

Allele frequency attached by ClinVar (database versions not stated): gnomAD exomes 0.00001 and 0.00003; ExAC 0.00003.

Submissions (7):

GeneDx
Classification: Pathogenic. Last evaluated: 2025-07-30. Review status: criteria provided, single submitter. Criteria: GeneDx Variant Classification Process June 2021. Collection method: clinical testing. Allele origin: germline. Affected: yes.
Comment: Nonsense variant predicted to result in protein truncation or nonsense mediated decay in a gene for which loss of function is a known mechanism of disease; This variant is associated with the following publications: (PMID: 32979048, 29193663, 30337681)

Labcorp Genetics (formerly Invitae), Labcorp
Classification: Pathogenic for Hereditary spastic paraplegia 47. Last evaluated: 2025-03-07. Review status: criteria provided, single submitter. Criteria: Invitae Variant Classification Sherloc (09022015). Collection method: clinical testing. Allele origin: germline.
Comment: This sequence change creates a premature translational stop signal (p.Arg102*) in the AP4B1 gene. It is expected to result in an absent or disrupted protein product. Loss-of-function variants in AP4B1 are known to be pathogenic (PMID: 22290197, 24700674, 24781758). This variant is present in population databases (rs777248758, gnomAD 0.02%). This premature translational stop signal has been observed in individual(s) with hereditary spastic paraplegia (PMID: 29193663). ClinVar contains an entry for this variant (Variation ID: 1344774). For these reasons, this variant has been classified as Pathogenic.

Blueprint Genetics
Classification: Pathogenic for AP4B1-related disorders. Last evaluated: 2024-10-18. Review status: criteria provided, single submitter. Criteria: ACMG Guidelines, 2015. Collection method: clinical testing. Allele origin: germline. Affected: yes. Observed: 3 variant alleles.

Genome-Nilou Lab
Classification: Pathogenic for Hereditary spastic paraplegia 47. Last evaluated: 2023-04-11. Review status: criteria provided, single submitter. Criteria: ACMG Guidelines, 2015. Collection method: clinical testing. Allele origin: germline. Affected: no.

Genetic Foundation of Khorasan Razavi (GFKR)
Classification: Pathogenic for Hereditary spastic paraplegia 47. Last evaluated: 2022-12-22. Review status: criteria provided, single submitter. Criteria: ACMG Guidelines, 2015. Collection method: clinical testing. Allele origin: inherited. Inheritance: Autosomal recessive inheritance. Affected: yes. Observed: 1 homozygote.
Comment: This variant affects the canonical splice acceptor site, leading to predicted loss of function. It is absent from large population databases. Additionally, it has been previously reported in an affected individual in the literature(PMID:30337681). In summary, the p.Arg102* variant meets our criteria to be classified as pathogenic.

Fulgent Genetics
Classification: Pathogenic for Hereditary spastic paraplegia 47. Last evaluated: 2022-03-28. Review status: criteria provided, single submitter. Criteria: ACMG Guidelines, 2015. Collection method: clinical testing. Allele origin: unknown.

Yale Center for Mendelian Genomics, Yale University
Classification: Likely pathogenic for Spastic paraplegia. Last evaluated: 2020-10-01. Review status: no assertion criteria provided. Collection method: literature only. Allele origin: germline. Affected: yes. Observed: 3 homozygotes. Study: Yale Center for Mendelian Genomics. Not counted in ClinVar's aggregate classification.

Literature cited by the submitters: PubMed 22290197 (cited by Labcorp Genetics (formerly Invitae), Labcorp); PubMed 24700674 (cited by Labcorp Genetics (formerly Invitae), Labcorp); PubMed 24781758 (cited by Labcorp Genetics (formerly Invitae), Labcorp); PubMed 29193663 (cited by Labcorp Genetics (formerly Invitae), Labcorp); PubMed 30337681 (cited by Genetic Foundation of Khorasan Razavi (GFKR)); PubMed 32979048 (cited by Yale Center for Mendelian Genomics, Yale University).

NM_001253852.3(AP4B1):c.304C>T (p.Arg102Ter)

Gene: AP4B1 (adaptor related protein complex 4 subunit beta 1; minus strand). Cytogenetic location: 1p13.2.
Variant type: single nucleotide variant.
Coding change: c.304C>T on transcript NM_001253852.3 (MANE Select); coding-DNA position 304, C replaced by T.
Protein change: p.Arg102Ter; replaces arginine 102 with a stop codon.
Molecular consequence: nonsense. On other transcripts: intron variant (1).
Genome position (GRCh38, 1-based): chr1:113,902,672, G>A on the plus strand (C>T on the coding strand, the complement: AP4B1 is on the minus strand). VCF-style: chr1-113902672-G-A. GRCh37 (hg19) VCF-style: chr1-114445294-G-A.
Other names: c.7C>T, p.Arg3Ter (NM_001253853.3); c.304C>T, p.Arg102Ter (NM_006594.5); c.113+1933C>T (NM_001308312.2); c.304C>T (NM_006594.3); short protein forms R102*, R3*.
Identifiers: ClinVar variation 1344774 (VCV001344774.12), dbSNP rs777248758, ClinGen allele CA1016142.